The following is an entry in ClinVar:

NM_000059.4(BRCA2):c.10110G>A (p.Arg3370=)

Gene: BRCA2 (BRCA2 DNA repair associated; plus strand). Cytogenetic location: 13q13.1.
Variant type: single nucleotide variant.
Coding change: c.10110G>A on transcript NM_000059.4 (MANE Select); coding-DNA position 10110, G replaced by A.
Protein change: p.Arg3370=; no amino-acid change (arginine 3370 retained).
Molecular consequence: synonymous variant.
Genome position (GRCh38, 1-based): chr13:32,398,623, G>A. VCF-style: chr13-32398623-G-A. GRCh37 (hg19) VCF-style: chr13-32972760-G-A.
Other names: R3370R; p.R3370R:AGG>AGA; NP_000050.3:p.Arg3370=.
Identifiers: ClinVar variation 51043 (VCV000051043.121), dbSNP rs28897762, ClinGen allele CA010263.

ClinVar aggregate classification (germline): Benign. Review status: reviewed by expert panel (3 of 4 stars). 33 submissions from 33 submitters: Benign (1). 32 of the submissions do not count toward it. Last evaluated 2017-06-29.

Conditions:
BRCA2-related disorder. Also called: BRCA2-related condition; BRCA2-related disorders. Identifiers: MedGen CN239275.
Breast and/or ovarian cancer. Identifiers: MedGen CN221562.
Hereditary cancer-predisposing syndrome. Also called: Hereditary Cancer Syndrome; Tumor predisposition; Neoplastic Syndromes, Hereditary; Hereditary neoplastic syndrome. Identifiers: Orphanet 140162, MedGen C0027672, MeSH D009386, MONDO:0015356.
Hereditary breast ovarian cancer syndrome. Also called: Breast and ovarian cancer; BRCA1- and BRCA2-Associated Hereditary Breast and Ovarian Cancer; Hereditary breast and ovarian cancer; Hereditary breast and ovarian cancer syndrome (HBOC); Hereditary breast and ovarian cancer syndrome; Hereditary breast and/or ovarian cancer syndrome. Identifiers: Orphanet 145, MedGen C0677776, MeSH D061325, MONDO:0003582. Disease mechanism: loss of function.
Breast-ovarian cancer, familial, susceptibility to, 2 (BROVCA2). Also called: BRCA2 Hereditary Breast and Ovarian Cancer. Identifiers: Orphanet 145, MedGen C2675520, MONDO:0012933, OMIM 612555. Disease mechanism: loss of function.
Fanconi anemia complementation group D1. Also called: BRCA2-Related Fanconi Anemia. Identifiers: Orphanet 319462, MedGen C1838457, MONDO:0011584, OMIM 605724.
Familial cancer of breast. Also called: BREAST CANCER, FAMILIAL; hereditary breast carcinoma; Hereditary breast cancer. Identifiers: Orphanet 227535, MedGen C0346153, MONDO:0016419, OMIM 114480. Disease mechanism: loss of function.

Allele frequency attached by ClinVar (database versions not stated): gnomAD 0.00129 and 0.00132; gnomAD exomes 0.00140 and 0.00177; ExAC 0.00147; ESP Exome Variant Server 0.00215; 1000 Genomes Project 30x 0.00078; 1000 Genomes Project 0.00080; TOPMed 0.00107.
gnomAD v4.1: 2,788 of 1,614,080 alleles (0.17%); highest among the groups gnomAD compares: South Asian, 0.21%; 9 homozygotes.

Submissions 1 to 23 of 33:

Evidence-based Network for the Interpretation of Germline Mutant Alleles (ENIGMA)
Classification: Benign for Breast-ovarian cancer, familial, susceptibility to, 2. Last evaluated: 2017-06-29. Review status: reviewed by expert panel. Criteria: ENIGMA BRCA1/2 Classification Criteria (2017-06-29). Collection method: curation. Allele origin: germline.
Comment: Synonymous substitution variant, with low bioinformatic likelihood to alter mRNA splicing (splicing prior 0.02) and frequency 0.002 (Non-Finnish European), 0.0018 (Finnish), 0.0014 (South Asian), derived from ExAC (2014-12-17).

CeGaT Center for Human Genetics Tuebingen
Classification: Likely benign. Last evaluated: 2026-03-01. Review status: criteria provided, single submitter. Criteria: CeGaT Center For Human Genetics Tuebingen Variant Classification Criteria Version 2. Collection method: clinical testing. Allele origin: germline. Affected: yes. Observed: 24 variant alleles. Not counted in ClinVar's aggregate classification.
Comment: BRCA2: BP4, BP7

Labcorp Genetics (formerly Invitae), Labcorp
Classification: Benign for Hereditary breast ovarian cancer syndrome. Last evaluated: 2026-02-04. Review status: criteria provided, single submitter. Criteria: Invitae Variant Classification Sherloc (09022015). Collection method: clinical testing. Allele origin: germline. Not counted in ClinVar's aggregate classification.

ARUP Laboratories, Molecular Genetics and Genomics, ARUP Laboratories
Classification: Benign. Last evaluated: 2025-06-12. Review status: criteria provided, single submitter. Criteria: ARUP Molecular Germline Variant Investigation Process 2024. Collection method: clinical testing. Allele origin: germline. Not counted in ClinVar's aggregate classification.

Center for Genomic Medicine, Rigshospitalet, Copenhagen University Hospital
Classification: Benign. Last evaluated: 2025-03-04. Review status: criteria provided, single submitter. Criteria: ACMG Guidelines, 2015. Collection method: clinical testing. Allele origin: germline. Not counted in ClinVar's aggregate classification.

Blueprint Genetics
Classification: Likely benign. Last evaluated: 2024-11-15. Review status: criteria provided, single submitter. Criteria: ACMG Guidelines, 2015. Collection method: clinical testing. Allele origin: germline. Not counted in ClinVar's aggregate classification.

KCCC/NGS Laboratory, Kuwait Cancer Control Center
Classification: Benign for Breast-ovarian cancer, familial, susceptibility to, 2. Last evaluated: 2023-07-07. Review status: criteria provided, single submitter. Criteria: ACMG Guidelines, 2015. Collection method: clinical testing. Allele origin: germline. Affected: yes. Not counted in ClinVar's aggregate classification.

CHEO Genetics Diagnostic Laboratory, Children's Hospital of Eastern Ontario
Classification: Likely benign for Breast and/or ovarian cancer. Last evaluated: 2023-04-14. Review status: criteria provided, single submitter. Criteria: ACMG Guidelines, 2015. Collection method: clinical testing. Allele origin: germline. Study: Canadian Open Genetics Repository. Not counted in ClinVar's aggregate classification.

National Health Laboratory Service, Universitas Academic Hospital and University of the Free State
Classification: Likely benign for Hereditary breast ovarian cancer syndrome. Last evaluated: 2021-11-16. Review status: criteria provided, single submitter. Criteria: ACMG Guidelines, 2015. Collection method: clinical testing. Allele origin: germline. Affected: yes. Observed: 2 variant alleles. Not counted in ClinVar's aggregate classification.

Genetics Program, Instituto Nacional de Cancer
Classification: Likely benign for Hereditary breast ovarian cancer syndrome. Last evaluated: 2021-11-01. Review status: criteria provided, single submitter. Criteria: ACMG Guidelines, 2015. Collection method: research. Allele origin: germline. Affected: yes. Not counted in ClinVar's aggregate classification.

Genetic Services Laboratory, University of Chicago
Classification: Benign. Last evaluated: 2021-05-25. Review status: criteria provided, single submitter. Criteria: ACMG Guidelines, 2015. Collection method: clinical testing. Allele origin: germline. Affected: no. Not counted in ClinVar's aggregate classification.

Sema4
Classification: Benign for Hereditary cancer-predisposing syndrome. Last evaluated: 2020-10-16. Review status: criteria provided, single submitter. Criteria: Sema4 Curation Guidelines. Collection method: curation. Allele origin: germline. Not counted in ClinVar's aggregate classification.

Mendelics
Classification: Likely benign for Breast-ovarian cancer, familial, susceptibility to, 2. Last evaluated: 2019-05-28. Review status: criteria provided, single submitter. Criteria: Mendelics Assertion Criteria 2017. Collection method: clinical testing. Allele origin: unknown. Not counted in ClinVar's aggregate classification.

Illumina Laboratory Services, Illumina
Classification: Uncertain significance for Fanconi anemia complementation group D1. Last evaluated: 2018-01-12. Review status: criteria provided, single submitter. Criteria: ICSL Variant Classification Criteria 13 December 2019. Collection method: clinical testing. Allele origin: germline. Not counted in ClinVar's aggregate classification.

Eurofins Ntd Llc (ga)
Classification: Likely benign. Last evaluated: 2017-05-15. Review status: criteria provided, single submitter. Criteria: EGL Classification Definitions 2015. Collection method: clinical testing. Allele origin: germline. Observed: 1 variant allele, 1 heterozygote. Not counted in ClinVar's aggregate classification.

Cancer Genetics and Genomics Laboratory, British Columbia Cancer Agency
Classification: Benign. Last evaluated: 2017-04-18. Review status: criteria provided, single submitter. Criteria: ACMG Guidelines, 2015. Collection method: clinical testing. Allele origin: germline. Study: The Canadian Open Genetics Repository (COGR). Not counted in ClinVar's aggregate classification.

Baylor Genetics
Classification: Benign for Familial cancer of breast. Last evaluated: 2017-02-23. Review status: criteria provided, single submitter. Criteria: ACMG Guidelines, 2015. Collection method: clinical testing. Allele origin: germline. Inheritance: Autosomal dominant inheritance. Affected: no. Not counted in ClinVar's aggregate classification.

Clinical Genetics DNA and cytogenetics Diagnostics Lab, Erasmus MC, Erasmus Medical Center
Classification: Benign for Breast-ovarian cancer, familial, susceptibility to, 2. Last evaluated: 2015-09-21. Review status: criteria provided, single submitter. Criteria: ACGS Guidelines, 2013. Collection method: clinical testing. Allele origin: germline. Affected: yes. Study: VKGL Data-share Consensus. Not counted in ClinVar's aggregate classification.

Color Diagnostics, LLC DBA Color Health
Classification: Benign for Hereditary cancer-predisposing syndrome. Last evaluated: 2015-04-13. Review status: criteria provided, single submitter. Criteria: ACMG Guidelines, 2015. Collection method: clinical testing. Allele origin: germline. Not counted in ClinVar's aggregate classification.

Molecular Genetics Laboratory, University of Michigan
Classification: Benign for Breast-ovarian cancer, familial, susceptibility to, 2. Last evaluated: 2014-11-03. Review status: criteria provided, single submitter. Criteria: ACMG Guidelines, 2015. Collection method: clinical testing. Allele origin: germline. Affected: yes. Not counted in ClinVar's aggregate classification.

Genome Diagnostics Laboratory, University Medical Center Utrecht
Classification: Benign for Breast-ovarian cancer, familial, susceptibility to, 2. Last evaluated: 2014-10-10. Review status: criteria provided, single submitter. Criteria: ACGS Guidelines, 2013. Collection method: clinical testing. Allele origin: germline. Affected: yes. Study: VKGL Data-share Consensus. Not counted in ClinVar's aggregate classification.

Ambry Genetics
Classification: Likely benign for Hereditary cancer-predisposing syndrome. Last evaluated: 2014-06-27. Review status: criteria provided, single submitter. Criteria: Ambry Variant Classification Scheme 2023. Collection method: clinical testing. Allele origin: germline. Not counted in ClinVar's aggregate classification.

Women's Health and Genetics/Laboratory Corporation of America, LabCorp
Classification: Benign for Hereditary breast ovarian cancer syndrome. Last evaluated: 2014-01-27. Review status: criteria provided, single submitter. Criteria: LabCorp Variant Classification Summary - May 2015. Collection method: clinical testing. Allele origin: germline. Not counted in ClinVar's aggregate classification.